The following is an entry in ClinVar:

ClinVar aggregate classification (germline): Uncertain significance (1 of 4 stars; one submission).

Submission:

Labcorp Genetics (formerly Invitae), Labcorp
Classification: Uncertain significance. Last evaluated: 2025-04-08. Review status: criteria provided, single submitter. Criteria: Invitae Variant Classification Sherloc (09022015). Collection method: clinical testing. Allele origin: germline.
Comment: This sequence change falls in intron 20 of the PROM1 gene. It does not directly change the encoded amino acid sequence of the PROM1 protein. It affects a nucleotide within the consensus splice site. This variant is not present in population databases (gnomAD no frequency). This variant has not been reported in the literature in individuals affected with PROM1-related conditions. ClinVar contains an entry for this variant (Variation ID: 970232). Variants that disrupt the consensus splice site are a relatively common cause of aberrant splicing (PMID: 17576681, 9536098). Algorithms developed to predict the effect of sequence changes on RNA splicing suggest that this variant is not likely to affect RNA splicing. In summary, the available evidence is currently insufficient to determine the role of this variant in disease. Therefore, it has been classified as a Variant of Uncertain Significance.

Literature cited by the submitters: PubMed 17576681; PubMed 9536098.

NM_006017.3(PROM1):c.2211+6C>T

Gene: PROM1 (prominin 1; minus strand). Cytogenetic location: 4p15.32.
Variant type: single nucleotide variant.
Coding change: c.2211+6C>T on transcript NM_006017.3 (MANE Select); 6 bases into the intron after coding-DNA position 2211, C replaced by T.
Molecular consequence: intron variant.
Genome position (GRCh38, 1-based): chr4:15,985,951, G>A on the plus strand (C>T on the coding strand, the complement: PROM1 is on the minus strand). VCF-style: chr4-15985951-G-A. GRCh37 (hg19) VCF-style: chr4-15987574-G-A.
Other names: c.2184+6C>T (NM_001145848.2, NM_001145852.2, NM_001145847.2 and 4 more transcripts); c.2211+6C>T (NM_001145850.2, NM_001145849.2).
Identifiers: ClinVar variation 970232 (VCV000970232.10), dbSNP rs1719282656, ClinGen allele CA645517803.